The following is an entry in ClinVar:

NM_001033855.3(DCLRE1C):c.328C>G (p.Leu110Val)

Gene: DCLRE1C (DNA cross-link repair 1C; minus strand). Cytogenetic location: 10p13.
Variant type: single nucleotide variant.
Coding change: c.328C>G on transcript NM_001033855.3 (MANE Select); coding-DNA position 328, C replaced by G.
Protein change: p.Leu110Val; replaces leucine 110 with valine.
Molecular consequence: missense variant. On other transcripts: 5 prime UTR variant (5), non-coding transcript variant (3), intron variant (4).
Genome position (GRCh38, 1-based): chr10:14,936,572, G>C on the plus strand (C>G on the coding strand, the complement: DCLRE1C is on the minus strand). VCF-style: chr10-14936572-G-C. GRCh37 (hg19) VCF-style: chr10-14978571-G-C.
Other names: c.-33C>G (NM_001033857.3, NM_001033858.3, NM_001289077.2 and 2 more transcripts); c.328C>G, p.Leu110Val (NM_001350965.2); c.18-1008C>G (NM_001350966.2, NM_001289078.2, NM_001289076.2 and 1 more transcripts); short protein forms L110V.
Identifiers: ClinVar variation 2577336 (VCV002577336.1), dbSNP rs774239837, ClinGen allele CA5416899.

ClinVar aggregate classification (germline): Uncertain significance (1 of 4 stars; one submission).

Allele frequency attached by ClinVar (database versions not stated): ExAC 0.00001; gnomAD 0.00001.
gnomAD v4.1: 11 of 1,613,244 alleles (0.00068%); highest among the groups gnomAD compares: East Asian, 0.0022%; no homozygotes.

Submission:

Women's Health and Genetics/Laboratory Corporation of America, LabCorp
Classification: Uncertain significance. Last evaluated: 2023-07-25. Review status: criteria provided, single submitter. Criteria: LabCorp Variant Classification Summary - May 2015. Collection method: clinical testing. Allele origin: germline.
Comment: Variant summary: DCLRE1C c.328C>G (p.Leu110Val) results in a conservative amino acid change located in the DNA repair metallo-beta-lactamase domain (IPR011084) of the encoded protein sequence. Three of five in-silico tools predict a damaging effect of the variant on protein function. The variant allele was found at a frequency of 4e-06 in 250992 control chromosomes (gnomAD). The available data on variant occurrences in the general population are insufficient to allow any conclusion about variant significance. c.328C>G has been reported in the literature in at least one compound heterozygous individual affected with Severe Combined Immunodeficiency (Xiao_2021). These data do not allow any conclusion about variant significance. To our knowledge, no experimental evidence demonstrating an impact on protein function has been reported. No submitters have cited clinical-significance assessments for this variant to ClinVar after 2014. The following publication have been ascertained in the context of this evaluation (PMID: 34421990). Based on the evidence outlined above, the variant was classified as uncertain significance.

Literature cited by the submitters: PubMed 34421990.